The following is an entry in ClinVar:

ClinVar aggregate classification (germline): Pathogenic (1 of 4 stars; one submission).

Conditions:
Cardiovascular phenotype. Identifiers: MedGen CN230736.

Submission:

Ambry Genetics
Classification: Pathogenic for Cardiovascular phenotype. Last evaluated: 2025-05-15. Review status: criteria provided, single submitter. Criteria: Ambry Variant Classification Scheme 2023. Collection method: clinical testing. Allele origin: germline.
Comment: The c.243_244delGAinsAT pathogenic mutation (also known as p.W81*), located in coding exon 2 of the GLA gene, results from an in-frame deletion of GA and insertion of AT at nucleotide positions 243 to 244. This changes the amino acid from a tryptophan to a stop codon within coding exon 2. Other variant(s) resulting in the same amino acid change (c.242G>A, c.243G>A) have been identified in individual(s) with features consistent with Fabry disease (Shabbeer J et al. Mol Genet Metab, 2002 May;76:23-30; Sirrs S et al. Mol Genet Metab, 2010 Apr;99:367-73; Tura&ccedil;a LT et al. J Hum Genet, 2012 Jun;57:347-51; Pan X et al. PLoS One, 2016 Aug;11:e0161330; Perretta F et al. ScientificWorldJournal, 2018 May;2018:6515613; Sakuraba H et al. Mol Genet Metab Rep, 2018 Dec;17:73-79; Frabasil J et al. JIMD Rep, 2019 Jul;48:45-52). This variant is considered to be rare based on population cohorts in the Genome Aggregation Database (gnomAD). This alteration is expected to result in loss of function by premature protein truncation or nonsense-mediated mRNA decay. As such, this alteration is interpreted as a disease-causing mutation.

Literature cited by the submitters: PubMed 12175777; PubMed 20022777; PubMed 22551898; PubMed 27560961; PubMed 29950951; PubMed 30386727; PubMed 31392112.

NM_000169.3(GLA):c.243_244delinsAT (p.Trp81_Lys82delinsTer)

Genes: GLA (galactosidase alpha; minus strand), RPL36A-HNRNPH2 (RPL36A-HNRNPH2 readthrough; plus strand). Cytogenetic location: Xq22.1.
Variant type: Indel.
Coding change: c.243_244delinsAT on transcript NM_000169.3 (MANE Select); coding-DNA positions 243 to 244, GA replaced by AT.
Protein change: p.Trp81_Lys82delinsTer.
Molecular consequence: nonsense. On other transcripts: non-coding transcript variant (3), intron variant (2).
Genome position (GRCh38, 1-based): chrX:101,403,936-101,403,937, TC replaced by AT on the plus strand (GA replaced by AT on the coding strand, the reverse complement: GLA is on the minus strand). VCF-style: chrX-101403936-TC-AT. GRCh37 (hg19) VCF-style: chrX-100658924-TC-AT.
Other names: c.366_367delinsAT, p.Trp122_Lys123delinsTer (NM_001406747.1, NM_001406749.1); c.243_244delinsAT, p.Trp81_Lys82delinsTer (NM_001406748.1); c.301-8000_301-7999delinsAT (NM_001199973.2); c.178-8000_178-7999delinsAT (NM_001199974.2); short protein forms W81*.
Identifiers: ClinVar variation 4029998 (VCV004029998.1).